The following is an entry in ClinVar:

NM_000193.4(SHH):c.554T>C (p.Val185Ala)

Gene: SHH (sonic hedgehog signaling molecule; minus strand). Cytogenetic location: 7q36.3.
Variant type: single nucleotide variant.
Coding change: c.554T>C on transcript NM_000193.4 (MANE Select); coding-DNA position 554, T replaced by C.
Protein change: p.Val185Ala; replaces valine 185 with alanine.
Molecular consequence: missense variant. On other transcripts: non-coding transcript variant (2).
Genome position (GRCh38, 1-based): chr7:155,806,304, A>G on the plus strand (T>C on the coding strand, the complement: SHH is on the minus strand). VCF-style: chr7-155806304-A-G. GRCh37 (hg19) VCF-style: chr7-155598998-A-G.
Other names: c.293T>C, p.Val98Ala (NM_001310462.2); short protein forms V185A, V98A.
Identifiers: ClinVar variation 3775124 (VCV003775124.1).

ClinVar aggregate classification (germline): Likely pathogenic (1 of 4 stars; one submission).

Conditions:
Solitary median maxillary central incisor syndrome. Also called: FUSED INCISORS; SINGLE CENTRAL MAXILLARY INCISOR; Solitary median maxillary central incisor; SMMCI SYNDROME; Single Central Incisor Syndrome. Identifiers: MedGen C1840235, MONDO:0007819, OMIM 147250, HP:0006315.

Submission:

Laboratory of Molecular Genetics, CHU Rennes
Classification: Likely pathogenic for Solitary median maxillary central incisor syndrome. Last evaluated: 2025-02-27. Review status: criteria provided, single submitter. Criteria: ACMG Guidelines, 2015. Collection method: clinical testing. Allele origin: de novo. Inheritance: Autosomal dominant inheritance. Affected: yes.
Comment: The NM_000193.4:c.554T>C, is a missense variant in SHH in the hedgehog signalling domain (PM1), absent from controls (PM2), predicted pathogenic by prediction tools (PP3) and occurred de novo (PS2). In summary, this variant meets criteria to be classified as likely pathogenic for holoprosencephaly based on the ACMG criteria applied.